The following is an entry in ClinVar:

ClinVar aggregate classification (germline): Benign/Likely benign. Review status: criteria provided, multiple submitters, no conflicts (2 of 4 stars). 5 submissions from 5 submitters: Benign (1); Likely benign (3). 1 of the submissions does not count toward it. Last evaluated 2026-01-19.

Conditions:
HNF1B-related disorder. Also called: HNF1B-related disorders; HNF1B-related condition.
Type 2 diabetes mellitus. Also called: Type II diabetes mellitus. Identifiers: MedGen C0011860, MeSH D003924, MONDO:0005148, OMIM 125853, HP:0005978.
Nonpapillary renal cell carcinoma. Identifiers: Orphanet 422526, MedGen CN074294, MONDO:0007763, OMIM 144700.
Renal cysts and diabetes syndrome (RCAD). Also called: Familial hypoplastic, glomerulocystic kidney; MATURITY-ONSET DIABETES OF THE YOUNG, TYPE 5. Identifiers: Orphanet 93111, MedGen C0431693, MONDO:0007669, OMIM 137920.
Maturity-onset diabetes of the young (MODY). Also called: Maturity onset diabetes mellitus in young. Identifiers: Orphanet 552, MedGen C0342276, MONDO:0018911, HP:0004904.

Allele frequency attached by ClinVar (database versions not stated): gnomAD exomes 0.00002 and 0.00003; TOPMed 0.00002; gnomAD 0.00004; ExAC 0.00006.
gnomAD v4.1: 35 of 1,613,990 alleles (0.0022%); highest among the groups gnomAD compares: Non-Finnish European, 0.0029%; no homozygotes.

Submissions (5):

Labcorp Genetics (formerly Invitae), Labcorp
Classification: Likely benign. Last evaluated: 2026-01-19. Review status: criteria provided, single submitter. Criteria: Invitae Variant Classification Sherloc (09022015). Collection method: clinical testing. Allele origin: germline.

Fulgent Genetics
Classification: Likely benign for Type 2 diabetes mellitus; Renal cysts and diabetes syndrome; Nonpapillary renal cell carcinoma. Last evaluated: 2021-11-04. Review status: criteria provided, single submitter. Criteria: ACMG Guidelines, 2015. Collection method: clinical testing. Allele origin: unknown.

GeneDx
Classification: Likely benign. Last evaluated: 2017-12-08. Review status: criteria provided, single submitter. Criteria: GeneDx Variant Classification (06012015). Collection method: clinical testing. Allele origin: germline. Affected: yes.
Comment: This variant is considered likely benign or benign based on one or more of the following criteria: it is a conservative change, it occurs at a poorly conserved position in the protein, it is predicted to be benign by multiple in silico algorithms, and/or has population frequency not consistent with disease.

Clinical Genomics, Uppaluri K&H Personalized Medicine Clinic
Classification: Benign for Maturity-onset diabetes of the young. Review status: criteria provided, single submitter. Criteria: K & H Uppaluri Personalized Medicine Clinic Variant Classification & Assertion Criteria_Updated V.1. Collection method: research. Allele origin: unknown. Inheritance: Autosomal dominant inheritance.
Comment: HNF1B gene mutations are associated with early onset diabetes and pancreatic atrophy. It is also associated with multiple renal manifestations including renal cysts, Tubulointerstitial disease, glomerulocystic disease, renal hypoplasia, hypomagnesemia. However no sufficient evidence is found to ascertain the role of this particular variant rs768490293, yet.

PreventionGenetics, part of Exact Sciences
Classification: Likely benign for HNF1B-related condition. Last evaluated: 2019-02-21. Review status: no assertion criteria provided. Collection method: clinical testing. Allele origin: germline. Not counted in ClinVar's aggregate classification.
Comment: This variant is classified as likely benign based on ACMG/AMP sequence variant interpretation guidelines (Richards et al. 2015 PMID: 25741868, with internal and published modifications).

Literature cited by the submitters: PubMed 24897035 (cited by Clinical Genomics, Uppaluri K&H Personalized Medicine Clinic); PubMed 25536396 (cited by Clinical Genomics, Uppaluri K&H Personalized Medicine Clinic); PubMed 27615128 (cited by Clinical Genomics, Uppaluri K&H Personalized Medicine Clinic); PubMed 28215227 (cited by Clinical Genomics, Uppaluri K&H Personalized Medicine Clinic); PubMed 33434175 (cited by Clinical Genomics, Uppaluri K&H Personalized Medicine Clinic); PubMed 25741167 (cited by Clinical Genomics, Uppaluri K&H Personalized Medicine Clinic); PubMed 26340261 (cited by Clinical Genomics, Uppaluri K&H Personalized Medicine Clinic); PubMed 19639018 (cited by Clinical Genomics, Uppaluri K&H Personalized Medicine Clinic).

NM_000458.4(HNF1B):c.723G>A (p.Ala241=)

Genes: HNF1B (HNF1 homeobox B; minus strand), LOC126862549 (BRD4-independent group 4 enhancer GRCh37_chr17:36093401-36094600; plus strand). Cytogenetic location: 17q12.
Variant type: single nucleotide variant.
Coding change: c.723G>A on transcript NM_000458.4 (MANE Select); coding-DNA position 723, G replaced by A.
Protein change: p.Ala241=; no amino-acid change (alanine 241 retained).
Molecular consequence: synonymous variant.
Genome position (GRCh38, 1-based): chr17:37,733,643, C>T on the plus strand (G>A on the coding strand, the complement: HNF1B is on the minus strand). VCF-style: chr17-37733643-C-T. GRCh37 (hg19) VCF-style: chr17-36093636-C-T.
Other names: c.645G>A, p.Ala215= (NM_001165923.4, NM_001304286.2); c.723G>A (NM_000458.3).
Identifiers: ClinVar variation 514068 (VCV000514068.8), dbSNP rs768490293, ClinGen allele CA8519021.
Genomic context (GRCh38, chr17:37,733,643, plus strand): 5'-TCTCTCTTCCTTGCTGGGGTTCTTTTGCCGATCGTAGGCCTGGTACAAGATTTGCTGGGA[C>T]GCGGGCCCCCATTTGAACCGGTTGCGGCGCATCTTCTTGTTGGTGGGCTCAGAGCAGGCA-3'
Protein context (NP_000449.1, residues 231-251): MRRNRFKWGP[Ala241=]SQQILYQAYD